The following is an entry in ClinVar:

ClinVar aggregate classification (germline): Uncertain significance (1 of 4 stars; one submission).

gnomAD v4.1: 2 of 1,614,194 alleles (0.00012%); highest among the groups gnomAD compares: Non-Finnish European, 0.00017%; no homozygotes.

Submission:

GeneDx
Classification: Uncertain significance. Last evaluated: 2023-06-02. Review status: criteria provided, single submitter. Criteria: GeneDx Variant Classification Process June 2021. Collection method: clinical testing. Allele origin: germline. Affected: yes.
Comment: Not observed at significant frequency in large population cohorts (gnomAD); In silico analysis supports that this missense variant does not alter protein structure/function; Has not been previously published as pathogenic or benign to our knowledge

NM_001282531.3(ADNP):c.740T>C (p.Ile247Thr)

Gene: ADNP (activity dependent neuroprotector homeobox; minus strand). Cytogenetic location: 20q13.13.
Variant type: single nucleotide variant.
Coding change: c.740T>C on transcript NM_001282531.3 (MANE Select); coding-DNA position 740, T replaced by C.
Protein change: p.Ile247Thr; replaces isoleucine 247 with threonine.
Molecular consequence: missense variant.
Genome position (GRCh38, 1-based): chr20:50,893,974, A>G on the plus strand (T>C on the coding strand, the complement: ADNP is on the minus strand). VCF-style: chr20-50893974-A-G. GRCh37 (hg19) VCF-style: chr20-49510511-A-G.
Other names: c.740T>C, p.Ile247Thr (NM_001282532.2, NM_001347511.2, NM_015339.5 and 1 more transcripts); short protein forms I247T.
Identifiers: ClinVar variation 3359386 (VCV003359386.1).
Genomic context (GRCh38, chr20:50,893,974, plus strand): 5'-GGTTTGGATCGGGGAACCACTACATTTGTGTGCCCAATCATGGCAGTGACCTGATAGCCT[A>G]TACGTTCATGGTCTTCGATGACATGCTGTACCAAAGCTTCATAGGACTTTGGCATGAAAA-3'
Protein context (NP_001269460.1, residues 237-257): VQHVIEDHER[Ile247Thr]GYQVTAMIGH